The following is an entry in ClinVar:

NM_031372.4(HNRNPDL):c.46C>T (p.Pro16Ser)

Gene: HNRNPDL (heterogeneous nuclear ribonucleoprotein D like; minus strand). Cytogenetic location: 4q21.22.
Variant type: single nucleotide variant.
Coding change: c.46C>T on transcript NM_031372.4 (MANE Select); coding-DNA position 46, C replaced by T.
Protein change: p.Pro16Ser; replaces proline 16 with serine.
Molecular consequence: missense variant. On other transcripts: non-coding transcript variant (1).
Genome position (GRCh38, 1-based): chr4:82,429,645, G>A on the plus strand (C>T on the coding strand, the complement: HNRNPDL is on the minus strand). VCF-style: chr4-82429645-G-A. GRCh37 (hg19) VCF-style: chr4-83350798-G-A.
Other names: c.46C>T, p.Pro16Ser (NM_001207000.1); short protein forms P16S.
Identifiers: ClinVar variation 3020439 (VCV003020439.3), dbSNP rs1336616458, ClinGen allele CA357174023.

ClinVar aggregate classification (germline): Uncertain significance (1 of 4 stars; one submission).

Conditions:
Autosomal dominant limb-girdle muscular dystrophy type 1G (LGMDD3). Also called: Limb-girdle muscular dystrophy, type 1G; MUSCULAR DYSTROPHY, LIMB-GIRDLE, AUTOSOMAL DOMINANT 3. Identifiers: Orphanet 55596, MedGen C1836765, MONDO:0012193, OMIM 609115.

Allele frequency attached by ClinVar (database versions not stated): gnomAD 0.00001; TOPMed 0.00001.

Submission:

Labcorp Genetics (formerly Invitae), Labcorp
Classification: Uncertain significance for Autosomal dominant limb-girdle muscular dystrophy type 1G. Last evaluated: 2023-03-09. Review status: criteria provided, single submitter. Criteria: Invitae Variant Classification Sherloc (09022015). Collection method: clinical testing. Allele origin: germline.
Comment: This variant has not been reported in the literature in individuals affected with HNRNPDL-related conditions. This variant is not present in population databases (gnomAD no frequency). This sequence change replaces proline, which is neutral and non-polar, with serine, which is neutral and polar, at codon 16 of the HNRNPDL protein (p.Pro16Ser). In summary, the available evidence is currently insufficient to determine the role of this variant in disease. Therefore, it has been classified as a Variant of Uncertain Significance. An algorithm developed to predict the effect of missense changes on protein structure and function (PolyPhen-2) suggests that this variant is likely to be disruptive.